The following is an entry in ClinVar:

ClinVar aggregate classification (germline): Uncertain significance. Review status: criteria provided, multiple submitters, no conflicts (2 of 4 stars). 2 submissions from 2 submitters: Uncertain significance (2). Last evaluated 2025-10-29.

Conditions:
Inborn genetic diseases. Identifiers: MedGen C0950123, MeSH D030342.

Submissions (2):

Ambry Genetics
Classification: Uncertain significance for Inborn genetic diseases. Last evaluated: 2025-10-29. Review status: criteria provided, single submitter. Criteria: Ambry Variant Classification Scheme 2023. Collection method: clinical testing. Allele origin: germline.

Labcorp Genetics (formerly Invitae), Labcorp
Classification: Uncertain significance. Last evaluated: 2025-08-07. Review status: criteria provided, single submitter. Criteria: Invitae Variant Classification Sherloc (09022015). Collection method: clinical testing. Allele origin: germline.
Comment: This sequence change replaces arginine, which is basic and polar, with glycine, which is neutral and non-polar, at codon 170 of the COL10A1 protein (p.Arg170Gly). This variant is not present in population databases (gnomAD no frequency). This variant has not been reported in the literature in individuals affected with COL10A1-related conditions. Invitae Evidence Modeling of protein sequence and biophysical properties (such as structural, functional, and spatial information, amino acid conservation, physicochemical variation, residue mobility, and thermodynamic stability) has been performed for this missense variant. However, the output from this modeling did not meet the statistical confidence thresholds required to predict the impact of this variant on COL10A1 protein function. In summary, the available evidence is currently insufficient to determine the role of this variant in disease. Therefore, it has been classified as a Variant of Uncertain Significance.

NM_000493.4(COL10A1):c.508A>G (p.Arg170Gly)

Genes: COL10A1 (collagen type X alpha 1 chain; minus strand), NT5DC1 (5'-nucleotidase domain containing 1; plus strand). Cytogenetic location: 6q22.1.
Variant type: single nucleotide variant.
Coding change: c.508A>G on transcript NM_000493.4 (MANE Select); coding-DNA position 508, A replaced by G.
Protein change: p.Arg170Gly; replaces arginine 170 with glycine.
Molecular consequence: missense variant. On other transcripts: intron variant (1).
Genome position (GRCh38, 1-based): chr6:116,121,608, T>C on the plus strand (A>G on the coding strand, the complement: COL10A1 is on the minus strand). VCF-style: chr6-116121608-T-C. GRCh37 (hg19) VCF-style: chr6-116442771-T-C.
Other names: c.508A>G, p.Arg170Gly (NM_001424106.1, NM_001424107.1); c.529+3663T>C (NM_152729.3); short protein forms R170G.
Identifiers: ClinVar variation 4616132 (VCV004616132.2).